The following is an entry in ClinVar:

NM_003041.4(SLC5A2):c.1548G>A (p.Ala516=)

Gene: SLC5A2 (solute carrier family 5 member 2; plus strand). Cytogenetic location: 16p11.2.
Variant type: single nucleotide variant.
Coding change: c.1548G>A on transcript NM_003041.4 (MANE Select); coding-DNA position 1548, G replaced by A.
Protein change: p.Ala516=; no amino-acid change (alanine 516 retained).
Molecular consequence: synonymous variant. On other transcripts: non-coding transcript variant (1).
Genome position (GRCh38, 1-based): chr16:31,489,221, G>A. VCF-style: chr16-31489221-G-A. GRCh37 (hg19) VCF-style: chr16-31500542-G-A.
Identifiers: ClinVar variation 785785 (VCV000785785.8), dbSNP rs539749063, ClinGen allele CA8031212.

ClinVar aggregate classification (germline): Benign/Likely benign. Review status: criteria provided, multiple submitters, no conflicts (2 of 4 stars). 3 submissions from 3 submitters: Benign (2); Likely benign (1). Last evaluated 2021-08-05.

Conditions:
Familial renal glucosuria (GLYS). Also called: Familial renal glycosuria; RENAL GLUCOSURIA, AUTOSOMAL DOMINANT. Identifiers: Orphanet 69076, MedGen C3245525, MONDO:0009297, OMIM 233100.

Allele frequency attached by ClinVar (database versions not stated): TOPMed 0.00002; 1000 Genomes Project 30x 0.00187; ExAC 0.00102; 1000 Genomes Project 0.00180; gnomAD 0.00006.
gnomAD v4.1: 713 of 1,610,368 alleles (0.044%); highest among the groups gnomAD compares: South Asian, 0.73%; 10 homozygotes.

Submissions (3):

Fulgent Genetics
Classification: Benign for Familial renal glucosuria. Last evaluated: 2021-08-05. Review status: criteria provided, single submitter. Criteria: ACMG Guidelines, 2015. Collection method: clinical testing. Allele origin: unknown.

Labcorp Genetics (formerly Invitae), Labcorp
Classification: Benign. Last evaluated: 2018-04-30. Review status: criteria provided, single submitter. Criteria: Invitae Variant Classification Sherloc (09022015). Collection method: clinical testing. Allele origin: germline.

Illumina Laboratory Services, Illumina
Classification: Likely benign for Familial renal glucosuria. Last evaluated: 2018-01-13. Review status: criteria provided, single submitter. Criteria: ICSL Variant Classification Criteria 13 December 2019. Collection method: clinical testing. Allele origin: germline.
Comment: This variant was observed in the ICSL laboratory as part of a predisposition screen in an ostensibly healthy population. It had not been previously curated by ICSL or reported in the Human Gene Mutation Database (HGMD: prior to June 1st, 2018), and was therefore a candidate for classification through an automated scoring system. Utilizing variant allele frequency, disease prevalence and penetrance estimates, and inheritance mode, an automated score was calculated to assess if this variant is too frequent to cause the disease. Based on the score and internal cut-off values, a variant classified as likely benign is not then subjected to further curation. The score for this variant resulted in a classification of likely benign for this disease.